The following is an entry in ClinVar:

ClinVar aggregate classification (germline): Uncertain significance (1 of 4 stars; one submission).

Conditions:
Left ventricular noncompaction 8 (LVNC8). Identifiers: Orphanet 154, Orphanet 54260, MedGen C3809288, MONDO:0014152, OMIM 615373.

Submission:

Labcorp Genetics (formerly Invitae), Labcorp
Classification: Uncertain significance for Left ventricular noncompaction 8. Last evaluated: 2024-04-22. Review status: criteria provided, single submitter. Criteria: Invitae Variant Classification Sherloc (09022015). Collection method: clinical testing. Allele origin: germline.
Comment: This sequence change replaces valine, which is neutral and non-polar, with phenylalanine, which is neutral and non-polar, at codon 17 of the PRDM16 protein (p.Val17Phe). This variant is present in population databases (rs183153140, gnomAD 0.0009%). This variant has not been reported in the literature in individuals affected with PRDM16-related conditions. ClinVar contains an entry for this variant (Variation ID: 474438). An algorithm developed to predict the effect of missense changes on protein structure and function (PolyPhen-2) suggests that this variant is likely to be tolerated. In summary, the available evidence is currently insufficient to determine the role of this variant in disease. Therefore, it has been classified as a Variant of Uncertain Significance.

NM_022114.4(PRDM16):c.49G>T (p.Val17Phe)

Gene: PRDM16 (PR/SET domain 16; plus strand). Cytogenetic location: 1p36.32.
Variant type: single nucleotide variant.
Coding change: c.49G>T on transcript NM_022114.4 (MANE Select); coding-DNA position 49, G replaced by T.
Protein change: p.Val17Phe; replaces valine 17 with phenylalanine.
Molecular consequence: missense variant.
Genome position (GRCh38, 1-based): chr1:3,186,136, G>T. VCF-style: chr1-3186136-G-T. GRCh37 (hg19) VCF-style: chr1-3102700-G-T.
Other names: c.49G>T, p.Val17Phe (NM_199454.3); short protein forms V17F.
Identifiers: ClinVar variation 474438 (VCV000474438.10), dbSNP rs183153140, ClinGen allele CA543684.